The following is an entry in ClinVar:

NM_001384732.1(CPLANE1):c.1103A>G (p.His368Arg)

Gene: CPLANE1 (ciliogenesis and planar polarity effector complex subunit 1; minus strand). Cytogenetic location: 5p13.2.
Variant type: single nucleotide variant.
Coding change: c.1103A>G on transcript NM_001384732.1 (MANE Select); coding-DNA position 1103, A replaced by G.
Protein change: p.His368Arg; replaces histidine 368 with arginine.
Molecular consequence: missense variant.
Genome position (GRCh38, 1-based): chr5:37,230,885, T>C on the plus strand (A>G on the coding strand, the complement: CPLANE1 is on the minus strand). VCF-style: chr5-37230885-T-C. GRCh37 (hg19) VCF-style: chr5-37230987-T-C.
Other names: c.1103A>G, p.His368Arg (NM_023073.4); short protein forms H368R.
Identifiers: ClinVar variation 1305119 (VCV001305119.9), dbSNP rs1286291749, ClinGen allele CA359509167.

ClinVar aggregate classification (germline): Uncertain significance. Review status: criteria provided, multiple submitters, no conflicts (2 of 4 stars). 4 submissions from 4 submitters: Uncertain significance (4). Last evaluated 2026-06-22.

Conditions:
Joubert syndrome 17 (JBTS17). Identifiers: Orphanet 475, MedGen C3553264, MONDO:0013824, OMIM 614615.
Orofaciodigital syndrome type 6 (OFD6). Also called: OROFACIODIGITAL SYNDROME VI; OFDS VI; POLYDACTYLY, CLEFT LIP/PALATE OR LINGUAL LUMP, AND PSYCHOMOTOR RETARDATION; VARADI SYNDROME; VARADI-PAPP SYNDROME; Oral-facial-digital syndrome type 6. Identifiers: Orphanet 2754, MedGen C2745997, MONDO:0010176, OMIM 277170.

Allele frequency attached by ClinVar (database versions not stated): TOPMed below 0.00001; gnomAD exomes 0.00001.
gnomAD v4.1: 3 of 1,537,580 alleles (0.0002%); highest among the groups gnomAD compares: East Asian, 0.0025%; no homozygotes.

Submissions (4):

Institute of Medical Genetics, University of Zurich
Classification: Uncertain significance for Joubert syndrome 17; Orofaciodigital syndrome type 6. Last evaluated: 2026-06-22. Review status: criteria provided, single submitter. Criteria: ACMG Guidelines, 2015. Collection method: clinical testing. Allele origin: germline. Inheritance: Autosomal recessive inheritance. Observed: 2 variant alleles.
Comment: The missense variant c.1103A>G (p.(His368Arg)) in the CPLANE1 gene (NM_023073.4) affects a highly conserved amino acid residue, and multiple in silico prediction tools suggest a deleterious effect on protein function. Structural analyses based on three-dimensional protein models suggest that His368 is located within a globular domain and that substitution by arginine may introduce steric constraints that could affect the local protein structure. Biallelic pathogenic variants in CPLANE1 are an established cause of autosomal recessive Joubert syndrome (OMIM #614615) and orofaciodigital syndrome VI (OMIM #277170). The variant is present in gnomAD v4.1.1 at an extremely low allele frequency and, to our knowledge, has not been reported in literature. These prenatal findings argue against clinically manifest Joubert syndrome or orofaciodigital syndrome and against pathogenicity of the variant. However, the available evidence does not meet current ACMG/AMP requirements for a Likely Benign classification. Therefore, the variant is classified as a Variant of Uncertain Significance (VUS).

Fulgent Genetics
Classification: Uncertain significance for Orofaciodigital syndrome type 6; Joubert syndrome 17. Last evaluated: 2022-02-02. Review status: criteria provided, single submitter. Criteria: ACMG Guidelines, 2015. Collection method: clinical testing. Allele origin: unknown.

Labcorp Genetics (formerly Invitae), Labcorp
Classification: Uncertain significance. Last evaluated: 2021-08-30. Review status: criteria provided, single submitter. Criteria: Invitae Variant Classification Sherloc (09022015). Collection method: clinical testing. Allele origin: germline.
Comment: This sequence change replaces histidine with arginine at codon 368 of the CPLANE1 protein (p.His368Arg). The histidine residue is weakly conserved and there is a small physicochemical difference between histidine and arginine. This variant is not present in population databases (ExAC no frequency). This variant has not been reported in the literature in individuals affected with CPLANE1-related conditions. Advanced modeling of protein sequence and biophysical properties (such as structural, functional, and spatial information, amino acid conservation, physicochemical variation, residue mobility, and thermodynamic stability) performed at Invitae indicates that this missense variant is expected to disrupt CPLANE1 protein function. In summary, the available evidence is currently insufficient to determine the role of this variant in disease. Therefore, it has been classified as a Variant of Uncertain Significance.

GeneDx
Classification: Uncertain significance. Last evaluated: 2019-11-18. Review status: criteria provided, single submitter. Criteria: GeneDx Variant Classification Process June 2021. Collection method: clinical testing. Allele origin: germline. Affected: yes.
Comment: In silico analysis, which includes protein predictors and evolutionary conservation, supports a deleterious effect; Has not been previously published as pathogenic or benign to our knowledge